The following is an entry in ClinVar:

NM_024596.5(MCPH1):c.957A>G (p.Ala319=)

Gene: MCPH1 (microcephalin 1; plus strand). Cytogenetic location: 8p23.1.
Variant type: single nucleotide variant.
Coding change: c.957A>G on transcript NM_024596.5 (MANE Select); coding-DNA position 957, A replaced by G.
Protein change: p.Ala319=; no amino-acid change (alanine 319 retained).
Molecular consequence: synonymous variant. On other transcripts: non-coding transcript variant (1).
Genome position (GRCh38, 1-based): chr8:6,444,679, A>G. VCF-style: chr8-6444679-A-G. GRCh37 (hg19) VCF-style: chr8-6302200-A-G.
Other names: c.957A>G, p.Ala319= (NM_001172574.2, NM_001322042.2, NM_001363979.1 and 3 more transcripts); c.813A>G, p.Ala271= (NM_001172575.2); c.951A>G, p.Ala317= (NM_001322043.2); c.855A>G, p.Ala285= (NM_001322045.2).
Identifiers: ClinVar variation 2673141 (VCV002673141.23), dbSNP rs2486140574, ClinGen allele CA459600946.

ClinVar aggregate classification (germline): Likely benign (1 of 4 stars; one submission).

Submission:

CeGaT Center for Human Genetics Tuebingen
Classification: Likely benign. Last evaluated: 2023-11-01. Review status: criteria provided, single submitter. Criteria: CeGaT Center For Human Genetics Tuebingen Variant Classification Criteria Version 2. Collection method: clinical testing. Allele origin: germline. Affected: yes. Observed: 1 variant allele.
Comment: MCPH1: PM2:Supporting, BP4, BP7